The following is an entry in ClinVar:

ClinVar aggregate classification (germline): Conflicting classifications of pathogenicity. Review status: criteria provided, conflicting classifications (1 of 4 stars). 2 submissions from 2 submitters: Uncertain significance (1); Likely benign (1). Last evaluated 2025-01-03.

Conditions:
Cardiomyopathy (CMYO). Also called: Cardiomyopathies. Identifiers: Orphanet 167848, MedGen C0878544, MONDO:0004994, HP:0001638. Inheritance: Various modes of inheritance.
Hypertrophic cardiomyopathy 2. Also called: TNNT2-Related Familial Hypertrophic Cardiomyopathy. Identifiers: MedGen C1861864, MONDO:0007266, OMIM 115195.
Dilated cardiomyopathy 1D. Identifiers: Orphanet 154, Orphanet 54260, MedGen C1832243, MONDO:0011095, OMIM 601494.
Cardiomyopathy, familial restrictive, 3. Identifiers: Orphanet 75249, MedGen C2676271, MONDO:0012900, OMIM 612422.

Submissions (2):

Labcorp Genetics (formerly Invitae), Labcorp
Classification: Likely benign for Cardiomyopathy, familial restrictive, 3; Hypertrophic cardiomyopathy 2; Dilated cardiomyopathy 1D. Last evaluated: 2025-01-03. Review status: criteria provided, single submitter. Criteria: Invitae Variant Classification Sherloc (09022015). Collection method: clinical testing. Allele origin: germline.

Color Diagnostics, LLC DBA Color Health
Classification: Uncertain significance for Cardiomyopathy. Last evaluated: 2023-01-26. Review status: criteria provided, single submitter. Criteria: ACMG Guidelines, 2015. Collection method: clinical testing. Allele origin: germline.
Comment: This variant causes a deletion of 2 nucleotides in intron 3 of the TNNT2 gene. Splice site prediction tools are inconclusive regarding the impact of this variant on RNA splicing. To our knowledge, functional studies have not been reported for this variant. This variant has not been reported in individuals affected with TNNT2-related disorders in the literature. This variant has been identified in 1/251176 chromosomes in the general population by the Genome Aggregation Database (gnomAD). The available evidence is insufficient to determine the role of this variant in disease conclusively. Therefore, this variant is classified as a Variant of Uncertain Significance.

NM_001276345.2(TNNT2):c.53-11_53-10del

Gene: TNNT2 (troponin T2, cardiac type; minus strand). Cytogenetic location: 1q32.1.
Variant type: Microsatellite.
Coding change: c.53-11_53-10del on transcript NM_001276345.2 (MANE Select); 11 bases into the intron before coding-DNA position 53 through 10 bases into the intron before coding-DNA position 53, 2 bases deleted (CT; older notation c.53-11_53-10delCT).
Molecular consequence: intron variant.
Genome position (GRCh38, 1-based): chr1:201,372,051-201,372,052, AG deleted on the plus strand (CT on the coding strand, the reverse complement: TNNT2 is on the minus strand); deleting any 2 consecutive bases within chr1:201,372,051-201,372,055 gives the same sequence; the c. name uses the placement nearest the transcript's 3' end. VCF-style (leftmost placement, unchanged base first): chr1-201372050-AAG-A. GRCh37 (hg19) VCF-style: chr1-201341178-AAG-A.
Other names: c.52+93_52+94del (NM_001001432.3); c.53-11_53-10del (NM_001001431.3, NM_001001430.3, NM_001276346.2 and 2 more transcripts).
Identifiers: ClinVar variation 629747 (VCV000629747.6), dbSNP rs764129741, ClinGen allele CA077324.